The following is an entry in ClinVar:

ClinVar aggregate classification (germline): Uncertain significance (1 of 4 stars; one submission).

Conditions:
Hereditary cancer-predisposing syndrome. Also called: Neoplastic Syndromes, Hereditary; Tumor predisposition; Hereditary Cancer Syndrome; Hereditary neoplastic syndrome. Identifiers: Orphanet 140162, MedGen C0027672, MeSH D009386, MONDO:0015356.

Submission:

Ambry Genetics
Classification: Uncertain significance for Hereditary cancer-predisposing syndrome. Last evaluated: 2026-03-03. Review status: criteria provided, single submitter. Criteria: Ambry Variant Classification Scheme 2023. Collection method: clinical testing. Allele origin: germline.
Comment: The c.157+4delA intronic variant, located in intron 2 of the MUTYH gene, results from a deletion of one nucleotide within intron 2 of the MUTYH gene. This nucleotide position is highly conserved in available vertebrate species. In silico splice site analysis predicts that this alteration will not have any significant effect on splicing. Based on the available evidence, the clinical significance of this variant remains unclear.

NM_001048174.2(MUTYH):c.115+4del

Gene: MUTYH (mutY DNA glycosylase; minus strand). Cytogenetic location: 1p34.1.
Variant type: Deletion.
Coding change: c.115+4del on transcript NM_001048174.2 (MANE Select); 4 bases into the intron after coding-DNA position 115, one base deleted (A; older notation c.115+4delA).
Molecular consequence: intron variant.
Genome position (GRCh38, 1-based): chr1:45,334,387, T deleted on the plus strand (A on the coding strand, the reverse complement: MUTYH is on the minus strand); the first of 2 consecutive T bases (chr1:45,334,387-45,334,388); deleting either gives the same sequence. VCF-style (leftmost placement, unchanged base first): chr1-45334386-CT-C. GRCh37 (hg19) VCF-style: chr1-45800058-CT-C.
Other names: c.115+4del (NM_001407072.1, NM_001048171.2, NM_001407070.1 and 15 more transcripts); c.-93+4del (NM_001350651.2, NM_001407082.1); c.-98+4del (NM_001293192.2, NM_001293196.2, NM_001407091.1); c.-157+4del (NM_001350650.2); c.157+4del (NM_001407073.1, NM_001293190.2, NM_001407069.1 and 2 more transcripts); c.-42+4del (NM_001407075.1); c.133+4del (NM_001407087.1).
Identifiers: ClinVar variation 4827484 (VCV004827484.1).